The following is an entry in ClinVar:

NM_000444.6(PHEX):c.1532A>C (p.Lys511Thr)

Gene: PHEX (phosphate regulating endopeptidase X-linked; plus strand). Cytogenetic location: Xp22.11.
Variant type: single nucleotide variant.
Coding change: c.1532A>C on transcript NM_000444.6 (MANE Select); coding-DNA position 1532, A replaced by C.
Protein change: p.Lys511Thr; replaces lysine 511 with threonine.
Molecular consequence: missense variant.
Genome position (GRCh38, 1-based): chrX:22,178,322, A>C. VCF-style: chrX-22178322-A-C. GRCh37 (hg19) VCF-style: chrX-22196439-A-C.
Other names: c.1532A>C, p.Lys511Thr (NM_001282754.2); short protein forms K511T.
Identifiers: ClinVar variation 2173816 (VCV002173816.5), dbSNP rs778363445, ClinGen allele CA10368286.

ClinVar aggregate classification (germline): Conflicting classifications of pathogenicity. Review status: criteria provided, conflicting classifications (1 of 4 stars). 2 submissions from 2 submitters: Uncertain significance (1); Likely benign (1). Last evaluated 2025-06-12.

Allele frequency attached by ClinVar (database versions not stated): gnomAD exomes 0.00001; ExAC 0.00002; gnomAD 0.00002; TOPMed 0.00002.
gnomAD v4.1: 11 of 1,204,152 alleles (0.00091%); highest among the groups gnomAD compares: Admixed American, 0.0044%; no homozygotes.

Submissions (2):

Labcorp Genetics (formerly Invitae), Labcorp
Classification: Uncertain significance. Last evaluated: 2025-06-12. Review status: criteria provided, single submitter. Criteria: Invitae Variant Classification Sherloc (09022015). Collection method: clinical testing. Allele origin: germline.
Comment: This sequence change replaces lysine, which is basic and polar, with threonine, which is neutral and polar, at codon 511 of the PHEX protein (p.Lys511Thr). This variant is present in population databases (rs778363445, gnomAD 0.001%), including at least one homozygous and/or hemizygous individual. This variant has not been reported in the literature in individuals affected with PHEX-related conditions. ClinVar contains an entry for this variant (Variation ID: 2173816). Invitae Evidence Modeling of protein sequence and biophysical properties (such as structural, functional, and spatial information, amino acid conservation, physicochemical variation, residue mobility, and thermodynamic stability) has been performed for this missense variant. However, the output from this modeling did not meet the statistical confidence thresholds required to predict the impact of this variant on PHEX protein function. In summary, the available evidence is currently insufficient to determine the role of this variant in disease. Therefore, it has been classified as a Variant of Uncertain Significance.

Blueprint Genetics
Classification: Likely benign. Last evaluated: 2021-11-03. Review status: criteria provided, single submitter. Criteria: ACMG Guidelines, 2015. Collection method: clinical testing. Allele origin: germline.